The following is an entry in ClinVar:

NM_002471.4(MYH6):c.4094A>G (p.Lys1365Arg)

Gene: MYH6 (myosin heavy chain 6; minus strand). Cytogenetic location: 14q11.2.
Variant type: single nucleotide variant.
Coding change: c.4094A>G on transcript NM_002471.4 (MANE Select); coding-DNA position 4094, A replaced by G.
Protein change: p.Lys1365Arg; replaces lysine 1365 with arginine.
Molecular consequence: missense variant.
Genome position (GRCh38, 1-based): chr14:23,388,940, T>C on the plus strand (A>G on the coding strand, the complement: MYH6 is on the minus strand). VCF-style: chr14-23388940-T-C. GRCh37 (hg19) VCF-style: chr14-23858149-T-C.
Other names: short protein forms K1365R.
Identifiers: ClinVar variation 3018734 (VCV003018734.3), dbSNP rs2502153249, ClinGen allele CA389001894.

ClinVar aggregate classification (germline): Uncertain significance (1 of 4 stars; one submission).

Conditions:
Hypertrophic cardiomyopathy 14. Identifiers: MedGen C2750467, MONDO:0013197, OMIM 613251.

Submission:

Labcorp Genetics (formerly Invitae), Labcorp
Classification: Uncertain significance for Hypertrophic cardiomyopathy 14. Last evaluated: 2023-07-21. Review status: criteria provided, single submitter. Criteria: Invitae Variant Classification Sherloc (09022015). Collection method: clinical testing. Allele origin: germline.
Comment: This variant has not been reported in the literature in individuals affected with MYH6-related conditions. This sequence change replaces lysine, which is basic and polar, with arginine, which is basic and polar, at codon 1365 of the MYH6 protein (p.Lys1365Arg). This variant is not present in population databases (gnomAD no frequency). Advanced modeling of protein sequence and biophysical properties (such as structural, functional, and spatial information, amino acid conservation, physicochemical variation, residue mobility, and thermodynamic stability) performed at Invitae indicates that this missense variant is not expected to disrupt MYH6 protein function. In summary, the available evidence is currently insufficient to determine the role of this variant in disease. Therefore, it has been classified as a Variant of Uncertain Significance.